The following is an entry in ClinVar:

NM_000138.5(FBN1):c.492T>C (p.Asn164=)

Gene: FBN1 (fibrillin 1; minus strand). Cytogenetic location: 15q21.1.
Variant type: single nucleotide variant.
Coding change: c.492T>C on transcript NM_000138.5 (MANE Select); coding-DNA position 492, T replaced by C.
Protein change: p.Asn164=; no amino-acid change (asparagine 164 retained).
Molecular consequence: synonymous variant.
Genome position (GRCh38, 1-based): chr15:48,596,329, A>G on the plus strand (T>C on the coding strand, the complement: FBN1 is on the minus strand). VCF-style: chr15-48596329-A-G. GRCh37 (hg19) VCF-style: chr15-48888526-A-G.
Identifiers: ClinVar variation 263939 (VCV000263939.13), dbSNP rs778007582, ClinGen allele CA053973.

ClinVar aggregate classification (germline): Likely benign. Review status: criteria provided, multiple submitters, no conflicts (2 of 4 stars). 4 submissions from 4 submitters: Likely benign (4). Last evaluated 2025-11-18.

Conditions:
Marfan syndrome (MFS). Also called: MARFAN SYNDROME, TYPE I; FBN1-Related Marfan Syndrome; Marfan syndrome, classic; Marfan syndrome type 1; Marfan's syndrome. Identifiers: Orphanet 284963, Orphanet 558, MedGen C0024796, MONDO:0007947, OMIM 154700.
Familial thoracic aortic aneurysm and aortic dissection (TAAD). Also called: Thoracic aortic aneurysms and dissections. Identifiers: Orphanet 91387, MedGen C4707243, MONDO:0019625.

Allele frequency attached by ClinVar (database versions not stated): TOPMed 0.00003; gnomAD exomes 0.00001 and below 0.00001; gnomAD 0.00003 and 0.00004; ExAC 0.00001.
gnomAD v4.1: 26 of 1,613,918 alleles (0.0016%); highest among the groups gnomAD compares: Non-Finnish European, 0.0022%; no homozygotes.

Submissions (4):

Labcorp Genetics (formerly Invitae), Labcorp
Classification: Likely benign for Marfan syndrome; Familial thoracic aortic aneurysm and aortic dissection. Last evaluated: 2025-11-18. Review status: criteria provided, single submitter. Criteria: Invitae Variant Classification Sherloc (09022015). Collection method: clinical testing. Allele origin: germline.

All of Us Research Program, National Institutes of Health
Classification: Likely benign for Marfan syndrome. Last evaluated: 2023-12-13. Review status: criteria provided, single submitter. Criteria: ACMG Guidelines, 2015. Collection method: clinical testing. Allele origin: germline. Inheritance: Autosomal dominant inheritance. Observed: 2 variant alleles, 2 heterozygotes.
Comment: This study involves interpretation of variants in research participants for the purpose of population health screening. Participant phenotype was not available at the time of variant classification. Additional details can be found in publication PMID: 35346344, PMCID: PMC8962531

Color Diagnostics, LLC DBA Color Health
Classification: Likely benign for Familial thoracic aortic aneurysm and aortic dissection. Last evaluated: 2022-11-06. Review status: criteria provided, single submitter. Criteria: ACMG Guidelines, 2015. Collection method: clinical testing. Allele origin: germline.

Ambry Genetics
Classification: Likely benign for Familial thoracic aortic aneurysm and aortic dissection. Last evaluated: 2015-03-23. Review status: criteria provided, single submitter. Criteria: Ambry Variant Classification Scheme 2023. Collection method: clinical testing. Allele origin: germline.